The following is an entry in ClinVar:

ClinVar aggregate classification (germline): Likely benign (0 of 4 stars; one submission).

Conditions:
MCFD2-related disorder. Also called: MCFD2-related condition.

Allele frequency attached by ClinVar (database versions not stated): TOPMed 0.00002; gnomAD 0.00003; gnomAD exomes 0.00012; ExAC 0.00026.
gnomAD v4.1: 203 of 1,614,202 alleles (0.013%); highest among the groups gnomAD compares: South Asian, 0.14%; 1 homozygote.

Submission:

PreventionGenetics, part of Exact Sciences
Classification: Likely benign for MCFD2-related condition. Last evaluated: 2020-05-07. Review status: no assertion criteria provided. Collection method: clinical testing. Allele origin: germline.
Comment: This variant is classified as likely benign based on ACMG/AMP sequence variant interpretation guidelines (Richards et al. 2015 PMID: 25741868, with internal and published modifications).

NM_139279.6(MCFD2):c.69C>T (p.Gly23=)

Gene: MCFD2 (multiple coagulation factor deficiency 2, ER cargo receptor complex subunit; minus strand). Cytogenetic location: 2p21.
Variant type: single nucleotide variant.
Coding change: c.69C>T on transcript NM_139279.6 (MANE Select); coding-DNA position 69, C replaced by T.
Protein change: p.Gly23=; no amino-acid change (glycine 23 retained).
Molecular consequence: synonymous variant. On other transcripts: intron variant (3).
Genome position (GRCh38, 1-based): chr2:46,909,103, G>A on the plus strand (C>T on the coding strand, the complement: MCFD2 is on the minus strand). VCF-style: chr2-46909103-G-A. GRCh37 (hg19) VCF-style: chr2-47136242-G-A.
Other names: c.69C>T, p.Gly23= (NM_001171506.2, NM_001171507.2, NM_001171508.2); c.93-1134C>T (NM_001171511.3); c.-7-1134C>T (NM_001171510.3, NM_001171509.3).
Identifiers: ClinVar variation 3051568 (VCV003051568.2), dbSNP rs771343475, ClinGen allele CA1646971.